The following is an entry in ClinVar:

NM_005591.4(MRE11):c.1016A>G (p.Lys339Arg)

Gene: MRE11 (MRE11 double strand break repair nuclease; minus strand). Cytogenetic location: 11q21.
Variant type: single nucleotide variant.
Coding change: c.1016A>G on transcript NM_005591.4 (MANE Select); coding-DNA position 1016, A replaced by G.
Protein change: p.Lys339Arg; replaces lysine 339 with arginine.
Molecular consequence: missense variant.
Genome position (GRCh38, 1-based): chr11:94,470,472, T>C on the plus strand (A>G on the coding strand, the complement: MRE11 is on the minus strand). VCF-style: chr11-94470472-T-C. GRCh37 (hg19) VCF-style: chr11-94203638-T-C.
Other names: c.1016A>G, p.Lys339Arg (NM_001330347.2, NM_005590.4); short protein forms K339R.
Identifiers: ClinVar variation 1800276 (VCV001800276.2), dbSNP rs2496481731, ClinGen allele CA382374179.

ClinVar aggregate classification (germline): Uncertain significance (1 of 4 stars; one submission).

Conditions:
Hereditary cancer-predisposing syndrome. Also called: Neoplastic Syndromes, Hereditary; Tumor predisposition; Hereditary Cancer Syndrome; Hereditary neoplastic syndrome. Identifiers: Orphanet 140162, MedGen C0027672, MeSH D009386, MONDO:0015356.

Submission:

Ambry Genetics
Classification: Uncertain significance for Hereditary cancer-predisposing syndrome. Last evaluated: 2020-02-19. Review status: criteria provided, single submitter. Criteria: Ambry Variant Classification Scheme 2023. Collection method: clinical testing. Allele origin: germline.
Comment: The p.K339R variant (also known as c.1016A>G), located in coding exon 8 of the MRE11A gene, results from an A to G substitution at nucleotide position 1016. The lysine at codon 339 is replaced by arginine, an amino acid with highly similar properties. This amino acid position is highly conserved in available vertebrate species. In addition, the in silico prediction for this alteration is inconclusive. Since supporting evidence is limited at this time, the clinical significance of this alteration remains unclear.